The following is an entry in ClinVar:

ClinVar aggregate classification (germline): Uncertain significance (1 of 4 stars; one submission).

Submission:

Labcorp Genetics (formerly Invitae), Labcorp
Classification: Uncertain significance. Last evaluated: 2022-04-11. Review status: criteria provided, single submitter. Criteria: Invitae Variant Classification Sherloc (09022015). Collection method: clinical testing. Allele origin: germline.
Comment: In summary, the available evidence is currently insufficient to determine the role of this variant in disease. Therefore, it has been classified as a Variant of Uncertain Significance. Algorithms developed to predict the effect of missense changes on protein structure and function are either unavailable or do not agree on the potential impact of this missense change (SIFT: "Not Available"; PolyPhen-2: "Probably Damaging"; Align-GVGD: "Not Available"). This variant has not been reported in the literature in individuals affected with DCHS1-related conditions. Information on the frequency of this variant in the gnomAD database is not available, as this variant may be reported differently in the database. This sequence change replaces threonine, which is neutral and polar, with arginine, which is basic and polar, at codon 591 of the DCHS1 protein (p.Thr591Arg).

NM_003737.4(DCHS1):c.1772_1773inv (p.Thr591Arg)

Gene: DCHS1 (dachsous cadherin-related 1; minus strand). Cytogenetic location: 11p15.4.
Variant type: Inversion.
Coding change: c.1772_1773inv on transcript NM_003737.4 (MANE Select).
Protein change: p.Thr591Arg; replaces threonine 591 with arginine.
Molecular consequence: missense variant.
Genome position: GRCh38 VCF-style: chr11-6639841-GG-CC. GRCh37 (hg19) VCF-style: chr11-6661072-GG-CC.
Other names: short protein forms T591R.
Identifiers: ClinVar variation 2124974 (VCV002124974.4), ClinGen allele CA2580083984.
Genomic context (GRCh38, chr11:6,639,841, plus strand): 5'-CCCAACACTATCTTGCTATGTGCCAGGCCTACCCACCTGCAGGAAGCAAGTTCCAGGCTG[GG>CC]TGCCCTCAGGCAGTGAGGCATTGTAGAAAGTCCTCTGGAATTGGGGCTCATTATCATTCA-3'
Protein context (NP_003728.1, residues 581-601): TFYNASLPEG[Thr591Arg]QPGTCFLQVT